The following is an entry in ClinVar:

ClinVar aggregate classification (germline): Uncertain significance (1 of 4 stars; one submission).

Conditions:
Norman-Roberts syndrome (LIS2). Also called: Lissencephaly 2 (Norman-Roberts type). Identifiers: Orphanet 89844, MedGen C0796089, MONDO:0009760, OMIM 257320.
Familial temporal lobe epilepsy 7. Identifiers: Orphanet 101046, MedGen C4225327, MONDO:0014639, OMIM 616436.

Allele frequency attached by ClinVar (database versions not stated): gnomAD 0.00001.

Submission:

Labcorp Genetics (formerly Invitae), Labcorp
Classification: Uncertain significance for Familial temporal lobe epilepsy 7; Norman-Roberts syndrome. Last evaluated: 2024-09-10. Review status: criteria provided, single submitter. Criteria: Invitae Variant Classification Sherloc (09022015). Collection method: clinical testing. Allele origin: germline.
Comment: This sequence change replaces threonine, which is neutral and polar, with alanine, which is neutral and non-polar, at codon 10 of the RELN protein (p.Thr10Ala). This variant is not present in population databases (gnomAD no frequency). This variant has not been reported in the literature in individuals affected with RELN-related conditions. ClinVar contains an entry for this variant (Variation ID: 2065532). An algorithm developed to predict the effect of missense changes on protein structure and function outputs the following: PolyPhen-2: "Benign". The alanine amino acid residue is found in multiple mammalian species, which suggests that this missense change does not adversely affect protein function. In summary, the available evidence is currently insufficient to determine the role of this variant in disease. Therefore, it has been classified as a Variant of Uncertain Significance.

NM_005045.4(RELN):c.28A>G (p.Thr10Ala)

Gene: RELN (reelin; minus strand). Cytogenetic location: 7q22.1.
Variant type: single nucleotide variant.
Coding change: c.28A>G on transcript NM_005045.4 (MANE Select); coding-DNA position 28, A replaced by G.
Protein change: p.Thr10Ala; replaces threonine 10 with alanine.
Molecular consequence: missense variant.
Genome position (GRCh38, 1-based): chr7:103,989,329, T>C on the plus strand (A>G on the coding strand, the complement: RELN is on the minus strand). VCF-style: chr7-103989329-T-C. GRCh37 (hg19) VCF-style: chr7-103629776-T-C.
Other names: c.28A>G, p.Thr10Ala (NM_173054.3); short protein forms T10A.
Identifiers: ClinVar variation 2065532 (VCV002065532.4), dbSNP rs1584425962, ClinGen allele CA368931609.